The following is an entry in ClinVar:

NM_007294.4(BRCA1):c.789T>C (p.Gly263=)

Gene: BRCA1 (BRCA1 DNA repair associated; minus strand). Cytogenetic location: 17q21.31.
Variant type: single nucleotide variant.
Coding change: c.789T>C on transcript NM_007294.4 (MANE Select); coding-DNA position 789, T replaced by C.
Protein change: p.Gly263=; no amino-acid change (glycine 263 retained).
Molecular consequence: synonymous variant. On other transcripts: splice donor variant (123), intron variant (13), 5 prime UTR variant (2).
Genome position (GRCh38, 1-based): chr17:43,094,742, A>G on the plus strand (T>C on the coding strand, the complement: BRCA1 is on the minus strand). VCF-style: chr17-43094742-A-G. GRCh37 (hg19) VCF-style: chr17-41246759-A-G.
Other names: c.576T>C, p.Gly192= (NM_001407571.1, NM_001407853.1, NM_001407894.1 and 9 more transcripts); c.789T>C, p.Gly263= (NM_001407581.1, NM_001407582.1, NM_001407583.1 and 31 more transcripts); c.786T>C, p.Gly262= (NM_001407587.1, NM_001407590.1, NM_001407591.1 and 22 more transcripts); c.780T>C, p.Gly260= (NM_001407646.1, NM_001407647.1); c.666T>C, p.Gly222= (NM_001407648.1, NM_001407664.1, NM_001407665.1 and 19 more transcripts); c.663T>C, p.Gly221= (NM_001407649.1, NM_001407670.1, NM_001407671.1 and 11 more transcripts); c.711T>C, p.Gly237= (NM_001407653.1, NM_001407654.1, NM_001407655.1 and 4 more transcripts); c.708T>C, p.Gly236= (NM_001407659.1, NM_001407660.1, NM_001407661.1 and 1 more transcripts); and 39 more.
Identifiers: ClinVar variation 55702 (VCV000055702.6), dbSNP rs397509320, ClinGen allele CA003874.
Genomic context (GRCh38, chr17:43,094,742, plus strand): 5'-TAATGAGCTGGCATGAGTATTTGTGCCACATGGCTCCACATGCAAGTTTGAAACAGAACT[A>G]CCCTGATACTTTTCTGGATGCCTCTCAGCTGCACGCTTCTCAGTGGTGTTCAAATCATTA-3'
Protein context (NP_009225.1, residues 253-273): AAERHPEKYQ[Gly263=]SSVSNLHVEP

ClinVar aggregate classification (germline): Likely benign. Review status: reviewed by expert panel (3 of 4 stars). 2 submissions from 2 submitters: Likely benign (1). 1 of the submissions does not count toward it. Last evaluated 2017-06-29.

Conditions:
Hereditary cancer-predisposing syndrome. Also called: Hereditary Cancer Syndrome; Hereditary neoplastic syndrome; Neoplastic Syndromes, Hereditary; Tumor predisposition. Identifiers: Orphanet 140162, MedGen C0027672, MeSH D009386, MONDO:0015356.
Breast-ovarian cancer, familial, susceptibility to, 1 (BROVCA1). Also called: BRCA1 Hereditary Breast and Ovarian Cancer; OVARIAN CANCER, SUSCEPTIBILITY TO. Identifiers: Orphanet 145, MedGen C2676676, MONDO:0011450, OMIM 604370. Disease mechanism: loss of function.

Submissions (2):

Evidence-based Network for the Interpretation of Germline Mutant Alleles (ENIGMA)
Classification: Likely benign for Breast-ovarian cancer, familial, susceptibility to, 1. Last evaluated: 2017-06-29. Review status: reviewed by expert panel. Criteria: ENIGMA BRCA1/2 Classification Criteria (2017-06-29). Collection method: curation. Allele origin: germline.
Comment: Synonymous substitution variant, with low bioinformatic likelihood to result in a splicing aberration (Splicing prior probability 0.02).

Ambry Genetics
Classification: Likely benign for Hereditary cancer-predisposing syndrome. Last evaluated: 2022-10-21. Review status: criteria provided, single submitter. Criteria: Ambry Variant Classification Scheme 2023. Collection method: clinical testing. Allele origin: germline. Not counted in ClinVar's aggregate classification.